The following is an entry in ClinVar:

ClinVar aggregate classification (germline): Likely benign (1 of 4 stars; one submission).

Conditions:
TET2-related disorder. Also called: TET2-related condition.

Submission:

PreventionGenetics, part of Exact Sciences
Classification: Likely benign for TET2-related condition. Last evaluated: 2025-06-12. Review status: criteria provided, single submitter. Criteria: ACMG Guidelines, 2015. Collection method: clinical testing. Allele origin: germline.
Comment: This variant is classified as likely benign based on ACMG/AMP sequence variant interpretation guidelines (Richards et al. 2015 PMID: 25741868, with internal and published modifications).

NM_001127208.3(TET2):c.3594+7G>A

Genes: TET2 (tet methylcytosine dioxygenase 2; plus strand), TET2-AS1 (TET2 antisense RNA 1; minus strand). Cytogenetic location: 4q24.
Variant type: single nucleotide variant.
Coding change: c.3594+7G>A on transcript NM_001127208.3 (MANE Select); 7 bases into the intron after coding-DNA position 3594, G replaced by A.
Molecular consequence: intron variant.
Genome position (GRCh38, 1-based): chr4:105,242,934, G>A. VCF-style: chr4-105242934-G-A. GRCh37 (hg19) VCF-style: chr4-106164091-G-A.
Identifiers: ClinVar variation 4999209 (VCV004999209.1).